The following is an entry in ClinVar:

ClinVar aggregate classification (germline): Uncertain significance. Review status: criteria provided, multiple submitters, no conflicts (2 of 4 stars). 2 submissions from 2 submitters: Uncertain significance (2). Last evaluated 2026-04-14.

Conditions:
Familial intrahepatic cholestasis. Identifiers: Orphanet 284385, MedGen CN296401, MONDO:0017290.
Low phospholipid associated cholelithiasis (GBD1). Also called: Gallstone cholecystitis; Gallbladder disease 1. Identifiers: Orphanet 69663, MedGen C2609268, MONDO:0010939, OMIM 600803.

Allele frequency attached by ClinVar (database versions not stated): gnomAD 0.00001; gnomAD exomes 0.00001; TOPMed 0.00002.
gnomAD v4.1: 13 of 1,613,844 alleles (0.00081%); highest among the groups gnomAD compares: African/African-American, 0.0027%; no homozygotes.

Submissions (2):

Genomenon, Inc
Classification: Uncertain significance for Familial intrahepatic cholestasis; Low phospholipid associated cholelithiasis. Last evaluated: 2026-04-14. Review status: criteria provided, single submitter. Criteria: Genomenon Sequence Variant Interpretation Standards - Updated. Collection method: curation. Allele origin: germline. Affected: no.
Comment: ABCB4 p.Gly1113Arg (c.3337G>A) is a missense variant that changes the amino acid at residue 1113 from Glycine to Arginine. This variant has been reported in the published literature (PMID:37208429). It is absent or not present at a significant frequency in gnomAD. In silico models predict that this variant is possibly or probably damaging. In conclusion, we classify ABCB4 p.Gly1113Arg (c.3337G>A) as a variant of uncertain significance.

Eurofins Ntd Llc (ga)
Classification: Uncertain significance. Last evaluated: 2018-08-03. Review status: criteria provided, single submitter. Criteria: EGL ClinVar v180209 classification definitions. Collection method: clinical testing. Allele origin: germline. Observed: 1 variant allele, 1 heterozygote.

Literature cited by the submitters: PubMed 37208429 (cited by Genomenon, Inc).

NM_000443.4(ABCB4):c.3337G>A (p.Gly1113Arg)

Gene: ABCB4 (ATP binding cassette subfamily B member 4; minus strand). Cytogenetic location: 7q21.12.
Variant type: single nucleotide variant.
Coding change: c.3337G>A on transcript NM_000443.4 (MANE Select); coding-DNA position 3337, G replaced by A.
Protein change: p.Gly1113Arg; replaces glycine 1113 with arginine.
Molecular consequence: missense variant.
Genome position (GRCh38, 1-based): chr7:87,406,437, C>T on the plus strand (G>A on the coding strand, the complement: ABCB4 is on the minus strand). VCF-style: chr7-87406437-C-T. GRCh37 (hg19) VCF-style: chr7-87035753-C-T.
Other names: c.3358G>A, p.Gly1120Arg (NM_018849.3); c.3196G>A, p.Gly1066Arg (NM_018850.3); short protein forms G1120R, G1113R, G1066R.
Identifiers: ClinVar variation 598243 (VCV000598243.6), dbSNP rs1282338773, ClinGen allele CA368058429.
Genomic context (GRCh38, chr7:87,406,437, plus strand): 5'-CATAGGCAATATTCTCGGCAATGCTGCAGTCAAATAGGATAGGCTCCTGAGACACGATTC[C>T]GAGTTGAGCTCTGAGCCACTGGACATTGAGTTTCTTTGCTTCTTGACCATCGAGAAGCTG-3'
Protein context (NP_000434.1, residues 1103-1123): LNVQWLRAQL[Gly1113Arg]IVSQEPILFD